The following is an entry in ClinVar:

NM_001384474.1(LOXHD1):c.6363C>A (p.Cys2121Ter)

Gene: LOXHD1 (lipoxygenase homology PLAT domains 1; minus strand). Cytogenetic location: 18q21.1.
Variant type: single nucleotide variant.
Coding change: c.6363C>A on transcript NM_001384474.1 (MANE Select); coding-DNA position 6363, C replaced by A.
Protein change: p.Cys2121Ter; replaces cysteine 2121 with a stop codon.
Molecular consequence: nonsense.
Genome position (GRCh38, 1-based): chr18:46,477,931, G>T on the plus strand (C>A on the coding strand, the complement: LOXHD1 is on the minus strand). VCF-style: chr18-46477931-G-T. GRCh37 (hg19) VCF-style: chr18-44057894-G-T.
Other names: c.3030C>A, p.Cys1010Ter (NM_001145472.3); c.1080C>A, p.Cys360Ter (NM_001145473.3, NM_001173129.2); c.2742C>A, p.Cys914Ter (NM_001308013.2); c.6177C>A, p.Cys2059Ter (NM_144612.7); c.6177C>A (NM_144612.6); short protein forms C1010*, C2059*, C2121*, C360*, C914*.
Identifiers: ClinVar variation 992165 (VCV000992165.6), dbSNP rs754765193, ClinGen allele CA8952048.
Genomic context (GRCh38, chr18:46,477,931, plus strand): 5'-TGTCGTCTTGGTAACCTCGAATACCTTGAAGTACTTCCTCTTCCTCTTGAGGGGGATGAG[G>T]CAGTCACAGTTAAAGAAGTACCTGGCAGAGAGGTGGGAGAGTGGAGGGGTAGGGGCTAAG-3'

ClinVar aggregate classification (germline): Pathogenic/Likely pathogenic. Review status: criteria provided, multiple submitters, no conflicts (2 of 4 stars). 4 submissions from 4 submitters: Pathogenic (2); Likely pathogenic (2). Last evaluated 2024-10-12.

Conditions:
Autosomal recessive nonsyndromic hearing loss 77. Identifiers: Orphanet 90636, MedGen C2746083, MONDO:0013119, OMIM 613079.
LOXHD1-related disorder. Also called: LOXHD1-related condition.

Allele frequency attached by ClinVar (database versions not stated): gnomAD 0.00003; gnomAD exomes 0.00008; ExAC 0.00009.
gnomAD v4.1: 31 of 1,549,806 alleles (0.002%); highest among the groups gnomAD compares: Non-Finnish European, 0.00035%; no homozygotes.

Submissions (4):

Natera, Inc.
Classification: Likely pathogenic for Autosomal recessive deafness type 77. Last evaluated: 2024-10-12. Review status: criteria provided, single submitter. Criteria: Natera Variant Classification Schema (03/2026). Collection method: clinical testing. Allele origin: germline.
Comment: The c.6177C>A variant in LOXHD1 is a nonsense variant predicted to introduce a stop codon at amino acid 2059. This variant is expected to result in nonsense mediated decay, truncation, or a dysfunctional protein product. This variant is rare in the general population with a frequency below the threshold expected for the associated phenotype(s). Given the available evidence, this variant is classified as Likely Pathogenic.

Fulgent Genetics
Classification: Likely pathogenic for Autosomal recessive nonsyndromic hearing loss 77. Last evaluated: 2024-03-30. Review status: criteria provided, single submitter. Criteria: ACMG Guidelines, 2015. Collection method: clinical testing. Allele origin: germline.

Labcorp Genetics (formerly Invitae), Labcorp
Classification: Pathogenic. Last evaluated: 2023-10-08. Review status: criteria provided, single submitter. Criteria: Invitae Variant Classification Sherloc (09022015). Collection method: clinical testing. Allele origin: germline.
Comment: This sequence change creates a premature translational stop signal (p.Cys2059*) in the LOXHD1 gene. While this is not anticipated to result in nonsense mediated decay, it is expected to disrupt the last 153 amino acid(s) of the LOXHD1 protein. This variant is present in population databases (rs754765193, gnomAD 0.07%). This variant has not been reported in the literature in individuals affected with LOXHD1-related conditions. ClinVar contains an entry for this variant (Variation ID: 992165). This variant disrupts a region of the LOXHD1 protein in which other variant(s) (p.Thr2123Argfs*30) have been determined to be pathogenic (PMID: 34171171; Invitae). This suggests that this is a clinically significant region of the protein, and that variants that disrupt it are likely to be disease-causing. For these reasons, this variant has been classified as Pathogenic.

Blueprint Genetics
Classification: Pathogenic for LOXHD1-related disorders. Last evaluated: 2023-01-26. Review status: criteria provided, single submitter. Criteria: ACMG Guidelines, 2015. Collection method: clinical testing. Allele origin: germline. Affected: yes. Observed: 5 variant alleles.

Literature cited by the submitters: PubMed 34171171 (cited by Labcorp Genetics (formerly Invitae), Labcorp).